The following is an entry in ClinVar:

NM_194454.3(KRIT1):c.1877T>A (p.Leu626Ter)

Gene: KRIT1 (KRIT1 ankyrin repeat containing; minus strand). Cytogenetic location: 7q21.2.
Variant type: single nucleotide variant.
Coding change: c.1877T>A on transcript NM_194454.3 (MANE Select); coding-DNA position 1877, T replaced by A.
Protein change: p.Leu626Ter; replaces leucine 626 with a stop codon.
Molecular consequence: nonsense.
Genome position (GRCh38, 1-based): chr7:92,213,343, A>T on the plus strand (T>A on the coding strand, the complement: KRIT1 is on the minus strand). VCF-style: chr7-92213343-A-T. GRCh37 (hg19) VCF-style: chr7-91842657-A-T.
Other names: c.1733T>A, p.Leu578Ter (NM_001013406.2, NM_001350669.1, NM_001350670.1); c.1163T>A, p.Leu388Ter (NM_001350671.1); c.1877T>A, p.Leu626Ter (NM_001350672.1, NM_001350673.1, NM_001350674.1 and 26 more transcripts); short protein forms L578*, L626*, L388*.
Identifiers: ClinVar variation 2735045 (VCV002735045.3), dbSNP rs2535706411, ClinGen allele CA368140204.

ClinVar aggregate classification (germline): Pathogenic (1 of 4 stars; one submission).

Conditions:
Cerebral cavernous malformation (CCM). Also called: CAVERNOUS ANGIOMA, FAMILIAL; CAVERNOUS ANGIOMATOUS MALFORMATIONS; CEREBRAL CAPILLARY MALFORMATIONS; Cavernous Hemangioma of Brain; Cerebral cavernous hemangioma (type); Cerebral cavernous malformations. Identifiers: Orphanet 221061, MedGen C2919945, MONDO:0000820, OMIM 116860, HP:0033522.

Submission:

Labcorp Genetics (formerly Invitae), Labcorp
Classification: Pathogenic for Cerebral cavernous malformation. Last evaluated: 2023-10-17. Review status: criteria provided, single submitter. Criteria: Invitae Variant Classification Sherloc (09022015). Collection method: clinical testing. Allele origin: germline.
Comment: This sequence change creates a premature translational stop signal (p.Leu626*) in the KRIT1 gene. It is expected to result in an absent or disrupted protein product. Loss-of-function variants in KRIT1 are known to be pathogenic (PMID: 10508515, 11222804, 12404106, 24689081). This variant is not present in population databases (gnomAD no frequency). This premature translational stop signal has been observed in individual(s) with KRIT1-related conditions (PMID: 18300272, 31254430). For these reasons, this variant has been classified as Pathogenic.

Literature cited by the submitters: PubMed 10508515; PubMed 11222804; PubMed 12404106; PubMed 24689081; PubMed 18300272; PubMed 31254430.